The following is an entry in ClinVar:

NM_020693.4(DSCAML1):c.4969A>G (p.Ile1657Val)

Gene: DSCAML1 (DS cell adhesion molecule like 1; minus strand). Cytogenetic location: 11q23.3.
Variant type: single nucleotide variant.
Coding change: c.4969A>G on transcript NM_020693.4 (MANE Select); coding-DNA position 4969, A replaced by G.
Protein change: p.Ile1657Val; replaces isoleucine 1657 with valine.
Molecular consequence: missense variant.
Genome position (GRCh38, 1-based): chr11:117,433,195, T>C on the plus strand (A>G on the coding strand, the complement: DSCAML1 is on the minus strand). VCF-style: chr11-117433195-T-C. GRCh37 (hg19) VCF-style: chr11-117303911-T-C.
Other names: c.5149A>G (NM_020693.2); short protein forms I1657V.
Identifiers: ClinVar variation 1922732 (VCV001922732.6), dbSNP rs566879993, ClinGen allele CA6296205.

ClinVar aggregate classification (germline): Uncertain significance. Review status: criteria provided, multiple submitters, no conflicts (2 of 4 stars). 2 submissions from 2 submitters: Uncertain significance (2). Last evaluated 2023-12-15.

Allele frequency attached by ClinVar (database versions not stated): gnomAD exomes 0.00005; gnomAD 0.00006; ExAC 0.00001; TOPMed 0.00001.
gnomAD v4.1: 80 of 1,613,986 alleles (0.005%); highest among the groups gnomAD compares: Non-Finnish European, 0.0068%; no homozygotes.

Submissions (2):

Ambry Genetics
Classification: Uncertain significance. Last evaluated: 2023-12-15. Review status: criteria provided, single submitter. Criteria: Ambry Variant Classification Scheme 2023. Collection method: clinical testing. Allele origin: germline.

Labcorp Genetics (formerly Invitae), Labcorp
Classification: Uncertain significance. Last evaluated: 2022-11-26. Review status: criteria provided, single submitter. Criteria: Invitae Variant Classification Sherloc (09022015). Collection method: clinical testing. Allele origin: germline.
Comment: In summary, the available evidence is currently insufficient to determine the role of this variant in disease. Therefore, it has been classified as a Variant of Uncertain Significance. Algorithms developed to predict the effect of missense changes on protein structure and function are either unavailable or do not agree on the potential impact of this missense change (SIFT: "Deleterious"; PolyPhen-2: "Possibly Damaging"; Align-GVGD: "Class C0"). This variant has not been reported in the literature in individuals affected with DSCAML1-related conditions. This variant is present in population databases (rs566879993, gnomAD 0.01%). This sequence change replaces isoleucine, which is neutral and non-polar, with valine, which is neutral and non-polar, at codon 1717 of the DSCAML1 protein (p.Ile1717Val).